The following is an entry in ClinVar:

ClinVar aggregate classification (germline): Conflicting classifications of pathogenicity. Review status: criteria provided, conflicting classifications (1 of 4 stars). 3 submissions from 3 submitters: Uncertain significance (2); Likely benign (1). Last evaluated 2021-12-24.

Conditions:
Cardiovascular phenotype. Identifiers: MedGen CN230736.
Long QT syndrome (LQTS). Identifiers: MedGen C0023976, MeSH D008133, MONDO:0002442. Disease mechanism: loss of function. Inheritance: Various modes of inheritance.

Allele frequency attached by ClinVar (database versions not stated): TOPMed below 0.00001; gnomAD 0.00001; gnomAD exomes 0.00001 and 0.00002; ExAC 0.00002; ESP Exome Variant Server 0.00008.
gnomAD v4.1: 17 of 1,613,932 alleles (0.0011%); highest among the groups gnomAD compares: Admixed American, 0.0017%; no homozygotes.

Submissions (3):

Labcorp Genetics (formerly Invitae), Labcorp
Classification: Uncertain significance for Long QT syndrome. Last evaluated: 2021-12-24. Review status: criteria provided, single submitter. Criteria: Invitae Variant Classification Sherloc (09022015). Collection method: clinical testing. Allele origin: germline.
Comment: This variant is present in population databases (rs142684331, gnomAD 0.009%). This variant has not been reported in the literature in individuals affected with ANK2-related conditions. ClinVar contains an entry for this variant (Variation ID: 191411). Algorithms developed to predict the effect of missense changes on protein structure and function are either unavailable or do not agree on the potential impact of this missense change (SIFT: "Tolerated"; PolyPhen-2: "Probably Damaging"; Align-GVGD: "Class C0"). In summary, the available evidence is currently insufficient to determine the role of this variant in disease. Therefore, it has been classified as a Variant of Uncertain Significance. This sequence change replaces arginine, which is basic and polar, with glutamine, which is neutral and polar, at codon 2511 of the ANK2 protein (p.Arg2511Gln).

Ambry Genetics
Classification: Likely benign for Cardiovascular phenotype. Last evaluated: 2019-03-11. Review status: criteria provided, single submitter. Criteria: Ambry Variant Classification Scheme 2023. Collection method: clinical testing. Allele origin: germline.

Biesecker Lab/Clinical Genomics Section, National Institutes of Health
Classification: Uncertain significance. Last evaluated: 2013-06-24. Review status: criteria provided, single submitter. Criteria: Ng et al. (Circ Cardiovasc Genet. 2013). Collection method: research. Allele origin: unknown. Observed: 1 variant allele. Study: ClinSeq.
Comment: The study set was not selected for affection status in relation to any cancer. Pathogenicity categories were based on literature curation. See Pubmed ID:23861362 for details.

Medical sequencing

NM_001148.6(ANK2):c.7532G>A (p.Arg2511Gln)

Genes: ANK2 (ankyrin 2; plus strand), LOC126807137 (CDK7 strongly-dependent group 2 enhancer GRCh37_chr4:114276560-114277759; plus strand). Cytogenetic location: 4q26.
Variant type: single nucleotide variant.
Coding change: c.7532G>A on transcript NM_001148.6 (MANE Select); coding-DNA position 7532, G replaced by A.
Protein change: p.Arg2511Gln; replaces arginine 2511 with glutamine.
Molecular consequence: missense variant. On other transcripts: intron variant (68).
Genome position (GRCh38, 1-based): chr4:113,356,150, G>A. VCF-style: chr4-113356150-G-A. GRCh37 (hg19) VCF-style: chr4-114277306-G-A.
Other names: c.7298G>A, p.Arg2433Gln (NM_001386142.1); c.3932G>A, p.Arg1311Gln (NM_001386166.1); c.7673G>A, p.Arg2558Gln (NM_001386174.1); c.7649G>A, p.Arg2550Gln (NM_001386175.1); c.4412-4673G>A (NM_001386186.2, NM_001386148.2); c.4214-4673G>A (NM_001354269.3); c.4292-4673G>A (NM_001386187.2); c.4253-4673G>A (NM_001386147.1); and 35 more; short protein forms R2511Q, R1311Q, R2433Q, R2550Q, R2558Q.
Identifiers: ClinVar variation 191411 (VCV000191411.7), dbSNP rs142684331, ClinGen allele CA236564.
Genomic context (GRCh38, chr4:113,356,150, plus strand): 5'-CAGCTGTTGCCAAAACAGAACTCTTGACGGAAGTGGCCTCTGTGCGGTCCCGGCTACTCC[G>A]AGACCCTGATGGCAGTGCTGAGGATGACAGTCTTGAGCAGACATCGCTCATGGAGAGCTC-3'
Protein context (NP_001139.3, residues 2501-2521): EVASVRSRLL[Arg2511Gln]DPDGSAEDDS